The following is an entry in ClinVar:

NM_017617.5(NOTCH1):c.6100T>C (p.Trp2034Arg)

Genes: NOTCH1 (notch receptor 1; minus strand), LOC126860794 (BRD4-independent group 4 enhancer GRCh37_chr9:139392592-139393791; plus strand). Cytogenetic location: 9q34.3.
Variant type: single nucleotide variant.
Coding change: c.6100T>C on transcript NM_017617.5 (MANE Select); coding-DNA position 6100, T replaced by C.
Protein change: p.Trp2034Arg; replaces tryptophan 2034 with arginine.
Molecular consequence: missense variant.
Genome position (GRCh38, 1-based): chr9:136,498,979, A>G on the plus strand (T>C on the coding strand, the complement: NOTCH1 is on the minus strand). VCF-style: chr9-136498979-A-G. GRCh37 (hg19) VCF-style: chr9-139393431-A-G.
Other names: c.6100T>C, p.Trp2034Arg (LRG_1122t1); short protein forms W2034R.
Identifiers: ClinVar variation 523602 (VCV000523602.5), dbSNP rs1554826698, ClinGen allele CA375634088.

ClinVar aggregate classification (germline): Uncertain significance. Review status: criteria provided, multiple submitters, no conflicts (2 of 4 stars). 2 submissions from 2 submitters: Uncertain significance (2). Last evaluated 2023-04-29.

Conditions:
Adams-Oliver syndrome 5 (AOS5). Identifiers: Orphanet 974, MedGen C4014970, MONDO:0014459, OMIM 616028.

Submissions (2):

Labcorp Genetics (formerly Invitae), Labcorp
Classification: Uncertain significance for Adams-Oliver syndrome 5. Last evaluated: 2023-04-29. Review status: criteria provided, single submitter. Criteria: Invitae Variant Classification Sherloc (09022015). Collection method: clinical testing. Allele origin: germline.
Comment: In summary, the available evidence is currently insufficient to determine the role of this variant in disease. Therefore, it has been classified as a Variant of Uncertain Significance. Advanced modeling of protein sequence and biophysical properties (such as structural, functional, and spatial information, amino acid conservation, physicochemical variation, residue mobility, and thermodynamic stability) performed at Invitae indicates that this missense variant is expected to disrupt NOTCH1 protein function. ClinVar contains an entry for this variant (Variation ID: 523602). This missense change has been observed in individual(s) with Adams–Oliver syndrome (PMID: 29924900). This variant is not present in population databases (gnomAD no frequency). This sequence change replaces tryptophan, which is neutral and slightly polar, with arginine, which is basic and polar, at codon 2034 of the NOTCH1 protein (p.Trp2034Arg).

Centre of Medical Genetics, University of Antwerp
Classification: Uncertain significance for Adams-Oliver syndrome 5. Last evaluated: 2017-12-01. Review status: criteria provided, single submitter. Criteria: Criteria for classifying variants, Center of Medical Genetics Antwerp, 2018. Collection method: research. Allele origin: unknown. Affected: yes.

Literature cited by the submitters: PubMed 29924900 (cited by Labcorp Genetics (formerly Invitae), Labcorp and Centre of Medical Genetics, University of Antwerp).